The following is an entry in ClinVar:

ClinVar aggregate classification (germline): Uncertain significance (1 of 4 stars; one submission).

Submission:

Labcorp Genetics (formerly Invitae), Labcorp
Classification: Uncertain significance. Last evaluated: 2022-07-26. Review status: criteria provided, single submitter. Criteria: Invitae Variant Classification Sherloc (09022015). Collection method: clinical testing. Allele origin: germline.
Comment: This sequence change replaces aspartic acid, which is acidic and polar, with alanine, which is neutral and non-polar, at codon 3104 of the SZT2 protein (p.Asp3104Ala). In summary, the available evidence is currently insufficient to determine the role of this variant in disease. Therefore, it has been classified as a Variant of Uncertain Significance. Algorithms developed to predict the effect of missense changes on protein structure and function are either unavailable or do not agree on the potential impact of this missense change (SIFT: "Tolerated"; PolyPhen-2: "Probably Damaging"; Align-GVGD: "Class C0"). ClinVar contains an entry for this variant (Variation ID: 1470653). This variant has not been reported in the literature in individuals affected with SZT2-related conditions. This variant is not present in population databases (gnomAD no frequency).

NM_001365999.1(SZT2):c.9482A>C (p.Asp3161Ala)

Genes: SZT2 (SZT2 subunit of KICSTOR complex; plus strand), SZT2-AS1 (SZT2 antisense RNA 1; minus strand). Cytogenetic location: 1p34.2.
Variant type: single nucleotide variant.
Coding change: c.9482A>C on transcript NM_001365999.1 (MANE Select); coding-DNA position 9482, A replaced by C.
Protein change: p.Asp3161Ala; replaces aspartic acid 3161 with alanine.
Molecular consequence: missense variant. On other transcripts: non-coding transcript variant (1).
Genome position (GRCh38, 1-based): chr1:43,447,890, A>C. VCF-style: chr1-43447890-A-C. GRCh37 (hg19) VCF-style: chr1-43913561-A-C.
Other names: c.9311A>C, p.Asp3104Ala (NM_015284.4); short protein forms D3104A, D3161A.
Identifiers: ClinVar variation 1470653 (VCV001470653.8), dbSNP rs2153936876, ClinGen allele CA340043393.